The following is an entry in ClinVar:

NM_015909.4(NBAS):c.460G>A (p.Gly154Arg)

Gene: NBAS (NBAS subunit of NRZ tethering complex; minus strand). Cytogenetic location: 2p24.3.
Variant type: single nucleotide variant.
Coding change: c.460G>A on transcript NM_015909.4 (MANE Select); coding-DNA position 460, G replaced by A.
Protein change: p.Gly154Arg; replaces glycine 154 with arginine.
Molecular consequence: missense variant. On other transcripts: non-coding transcript variant (1).
Genome position (GRCh38, 1-based): chr2:15,539,276, C>T on the plus strand (G>A on the coding strand, the complement: NBAS is on the minus strand). VCF-style: chr2-15539276-C-T. GRCh37 (hg19) VCF-style: chr2-15679400-C-T.
Other names: short protein forms G154R.
Identifiers: ClinVar variation 1904159 (VCV001904159.5), dbSNP rs2527952883, ClinGen allele CA345887936.

ClinVar aggregate classification (germline): Uncertain significance (1 of 4 stars; one submission).

Submission:

Labcorp Genetics (formerly Invitae), Labcorp
Classification: Uncertain significance. Last evaluated: 2022-11-15. Review status: criteria provided, single submitter. Criteria: Invitae Variant Classification Sherloc (09022015). Collection method: clinical testing. Allele origin: germline.
Comment: In summary, the available evidence is currently insufficient to determine the role of this variant in disease. Therefore, it has been classified as a Variant of Uncertain Significance. Advanced modeling of protein sequence and biophysical properties (such as structural, functional, and spatial information, amino acid conservation, physicochemical variation, residue mobility, and thermodynamic stability) performed at Invitae indicates that this missense variant is expected to disrupt NBAS protein function. This variant has not been reported in the literature in individuals affected with NBAS-related conditions. This variant is not present in population databases (gnomAD no frequency). This sequence change replaces glycine, which is neutral and non-polar, with arginine, which is basic and polar, at codon 154 of the NBAS protein (p.Gly154Arg).